The following is an entry in ClinVar:

ClinVar aggregate classification (germline): Uncertain significance (1 of 4 stars; one submission).

Allele frequency attached by ClinVar (database versions not stated): gnomAD exomes below 0.00001; ExAC 0.00001.
gnomAD v4.1: 3 of 1,611,738 alleles (0.00019%); highest among the groups gnomAD compares: Non-Finnish European, 0.00025%; no homozygotes.

Submission:

Labcorp Genetics (formerly Invitae), Labcorp
Classification: Uncertain significance. Last evaluated: 2024-10-23. Review status: criteria provided, single submitter. Criteria: Invitae Variant Classification Sherloc (09022015). Collection method: clinical testing. Allele origin: germline.
Comment: This sequence change replaces isoleucine, which is neutral and non-polar, with valine, which is neutral and non-polar, at codon 345 of the MAP3K7 protein (p.Ile345Val). This variant is present in population databases (rs773273184, gnomAD 0.0009%). This variant has not been reported in the literature in individuals affected with MAP3K7-related conditions. An algorithm developed to predict the effect of missense changes on protein structure and function (PolyPhen-2) suggests that this variant is likely to be tolerated. In summary, the available evidence is currently insufficient to determine the role of this variant in disease. Therefore, it has been classified as a Variant of Uncertain Significance.

NM_145331.3(MAP3K7):c.1033A>G (p.Ile345Val)

Gene: MAP3K7 (mitogen-activated protein kinase kinase kinase 7; minus strand). Cytogenetic location: 6q15.
Variant type: single nucleotide variant.
Coding change: c.1033A>G on transcript NM_145331.3 (MANE Select); coding-DNA position 1033, A replaced by G.
Protein change: p.Ile345Val; replaces isoleucine 345 with valine.
Molecular consequence: missense variant.
Genome position (GRCh38, 1-based): chr6:90,548,094, T>C on the plus strand (A>G on the coding strand, the complement: MAP3K7 is on the minus strand). VCF-style: chr6-90548094-T-C. GRCh37 (hg19) VCF-style: chr6-91257813-T-C.
Other names: c.1033A>G, p.Ile345Val (NM_003188.4, NM_145332.3, NM_145333.3); short protein forms I345V.
Identifiers: ClinVar variation 2795593 (VCV002795593.3), dbSNP rs773273184, ClinGen allele CA3928496.
Genomic context (GRCh38, chr6:90,548,094, plus strand): 5'-TAACATAACAAACCTGTTGCTTTGCCTGATTTTTCAACAATTTTGATTCTAAGCGCTTAA[T>C]AGTATCATTTGTGGCAGGAACTTGCTCCATATTAGTGTCACTTTTGTTACTCGTATTTGT-3'
Protein context (NP_663304.1, residues 335-355): MEQVPATNDT[Ile345Val]KRLESKLLKN